The following is an entry in ClinVar:

NM_181507.2(HPS5):c.2981T>A (p.Leu994Ter)

Gene: HPS5 (HPS5 biogenesis of lysosomal organelles complex 2 subunit 2; minus strand). Cytogenetic location: 11p15.1.
Variant type: single nucleotide variant.
Coding change: c.2981T>A on transcript NM_181507.2 (MANE Select); coding-DNA position 2981, T replaced by A.
Protein change: p.Leu994Ter; replaces leucine 994 with a stop codon.
Molecular consequence: nonsense.
Genome position (GRCh38, 1-based): chr11:18,283,872, A>T on the plus strand (T>A on the coding strand, the complement: HPS5 is on the minus strand). VCF-style: chr11-18283872-A-T. GRCh37 (hg19) VCF-style: chr11-18305419-A-T.
Other names: c.2981T>A, p.Leu994Ter (NM_001440902.1, NM_001440903.1, NM_001440905.1 and 1 more transcripts); c.3038T>A, p.Leu1013Ter (NM_001440904.1); c.2906T>A, p.Leu969Ter (NM_001440907.1, NM_001440908.1, NM_001440909.1); c.2870T>A, p.Leu957Ter (NM_001440913.1, NM_001440914.1, NM_001440915.1); c.2861T>A, p.Leu954Ter (NM_001440916.1); c.2825T>A, p.Leu942Ter (NM_001440917.1); c.2795T>A, p.Leu932Ter (NM_001440918.1); c.2768T>A, p.Leu923Ter (NM_001440919.1); and 5 more; short protein forms L840*, L856*, L923*, L932*, L994*, L899*, L942*, L969*.
Identifiers: ClinVar variation 4748243 (VCV004748243.1).
Genomic context (GRCh38, chr11:18,283,872, plus strand): 5'-AGGCTCATATCATTCAGATACACAATATTGGTGAAGGCCTCTCTTCTTCTCTCCAGCTCC[A>T]AACAGAGAATTAGATATCCAGGCCAGAAACTTTAAAGAGACCGAAGTTGAAGAAAGGAAT-3'

ClinVar aggregate classification (germline): Pathogenic (1 of 4 stars; one submission).

gnomAD v4.1: 14 of 1,613,210 alleles (0.00087%); highest among the groups gnomAD compares: Non-Finnish European, 0.0012%; no homozygotes.

Submission:

Labcorp Genetics (formerly Invitae), Labcorp
Classification: Pathogenic. Last evaluated: 2025-12-03. Review status: criteria provided, single submitter. Criteria: Invitae Variant Classification Sherloc (09022015). Collection method: clinical testing. Allele origin: germline.
Comment: This sequence change creates a premature translational stop signal (p.Leu994*) in the HPS5 gene. It is expected to result in an absent or disrupted protein product. Loss-of-function variants in HPS5 are known to be pathogenic (PMID: 12548288, 15296495, 21833017, 26785811). This variant is not present in population databases (gnomAD no frequency). This variant has not been reported in the literature in individuals affected with HPS5-related conditions. Algorithms developed to predict the effect of sequence changes on RNA splicing suggest that this variant may disrupt the consensus splice site. For these reasons, this variant has been classified as Pathogenic.

Literature cited by the submitters: PubMed 12548288; PubMed 15296495; PubMed 21833017; PubMed 26785811.